The following is an entry in ClinVar:

NM_001277313.2(FMN1):c.1168C>T (p.Arg390Trp)

Gene: FMN1 (formin 1; minus strand). Cytogenetic location: 15q13.3.
Variant type: single nucleotide variant.
Coding change: c.1168C>T on transcript NM_001277313.2 (MANE Select); coding-DNA position 1168, C replaced by T.
Protein change: p.Arg390Trp; replaces arginine 390 with tryptophan.
Molecular consequence: missense variant.
Genome position (GRCh38, 1-based): chr15:33,153,747, G>A on the plus strand (C>T on the coding strand, the complement: FMN1 is on the minus strand). VCF-style: chr15-33153747-G-A. GRCh37 (hg19) VCF-style: chr15-33445948-G-A.
Other names: c.1168C>T, p.Arg390Trp (NM_001277314.2); short protein forms R390W.
Identifiers: ClinVar variation 1428961 (VCV001428961.7), dbSNP rs144328486, ClinGen allele CA7457543.

ClinVar aggregate classification (germline): Uncertain significance. Review status: criteria provided, multiple submitters, no conflicts (2 of 4 stars). 2 submissions from 2 submitters: Uncertain significance (2). Last evaluated 2025-12-28.

Allele frequency attached by ClinVar (database versions not stated): 1000 Genomes Project 0.00040; gnomAD 0.00044 and 0.00048; 1000 Genomes Project 30x 0.00047; ExAC 0.00056; TOPMed 0.00070; gnomAD exomes 0.00074.
gnomAD v4.1: 825 of 1,536,188 alleles (0.054%); highest among the groups gnomAD compares: Middle Eastern, 1.4%; 4 homozygotes.

Submissions (2):

Labcorp Genetics (formerly Invitae), Labcorp
Classification: Uncertain significance. Last evaluated: 2025-12-28. Review status: criteria provided, single submitter. Criteria: Invitae Variant Classification Sherloc (09022015). Collection method: clinical testing. Allele origin: germline.
Comment: The FMN1 gene has multiple clinically relevant transcripts. This variant occurs in alternate transcript NM_001277314.1, and corresponds to NM_001103184.3:c.-85863C>T in the primary transcript. This sequence change replaces arginine, which is basic and polar, with tryptophan, which is neutral and slightly polar, at codon 390 of the FMN1 protein (p.Arg390Trp). This variant is present in population databases (rs144328486, gnomAD 0.09%), and has an allele count higher than expected for a pathogenic variant. This variant has not been reported in the literature in individuals affected with FMN1-related conditions. Experimental studies and prediction algorithms are not available or were not evaluated, and the functional significance of this variant is currently unknown. In summary, the available evidence is currently insufficient to determine the role of this variant in disease. Therefore, it has been classified as a Variant of Uncertain Significance.

Breakthrough Genomics
Classification: Uncertain significance. Review status: criteria provided, single submitter. Criteria: ACMG Guidelines, 2015. Collection method: not provided. Allele origin: germline. Inheritance: Unknown mechanism. Affected: yes.